The following is an entry in ClinVar:

ClinVar aggregate classification (germline): Likely pathogenic (1 of 4 stars; one submission).

Conditions:
Autosomal dominant distal renal tubular acidosis (DRTA1). Also called: Renal Tubular Acidosis, Type I; RTA, CLASSIC TYPE; RTA, DISTAL TYPE, AUTOSOMAL DOMINANT; RTA, GRADIENT TYPE; RENAL TUBULAR ACIDOSIS, DISTAL, 1. Identifiers: Orphanet 93608, MedGen CN280572, MONDO:0008368, OMIM 179800.

Allele frequency attached by ClinVar (database versions not stated): TOPMed 0.00002.
gnomAD v4.1: 15 of 1,555,818 alleles (0.00096%); highest among the groups gnomAD compares: East Asian, 0.0048%; no homozygotes.

Submission:

MVZ Medizinische Genetik Mainz
Classification: Likely pathogenic for Autosomal dominant distal renal tubular acidosis. Last evaluated: 2024-02-26. Review status: criteria provided, single submitter. Criteria: UK Practice Guidelines For Variant Classification V4 01 2020. Collection method: clinical testing. Allele origin: germline. Inheritance: Autosomal dominant inheritance. Affected: yes. Observed: 1 variant allele.
Comment: ACMG Criteria: PP3_STR,PM2_SUP,PP4

NM_000342.4(SLC4A1):c.1816G>A (p.Gly606Arg)

Gene: SLC4A1 (solute carrier family 4 member 1 (Diego blood group); minus strand). Cytogenetic location: 17q21.31.
Variant type: single nucleotide variant.
Coding change: c.1816G>A on transcript NM_000342.4 (MANE Select); coding-DNA position 1816, G replaced by A.
Protein change: p.Gly606Arg; replaces glycine 606 with arginine.
Molecular consequence: missense variant.
Genome position (GRCh38, 1-based): chr17:44,255,281, C>T on the plus strand (G>A on the coding strand, the complement: SLC4A1 is on the minus strand). VCF-style: chr17-44255281-C-T. GRCh37 (hg19) VCF-style: chr17-42332649-C-T.
Other names: short protein forms G606R.
Identifiers: ClinVar variation 3236344 (VCV003236344.1), dbSNP rs575655181, ClinGen allele CA290929081.
Genomic context (GRCh38, chr17:44,255,281, plus strand): 5'-CCTGAATGAAGAAATCCACCAGGACCATGATCAGGATGGAGATGGGGACCCCGAAGTCCC[C>T]GATGACCCGACGCAGCTGGGGGCAGGTGAAAGGACCAGTGGTCAGTGCCCAGTCACTCCC-3'
Protein context (NP_000333.1, residues 596-616): YFPGKLRRVI[Gly606Arg]DFGVPISILI